The following is an entry in ClinVar:

ClinVar aggregate classification (germline): Uncertain significance (1 of 4 stars; one submission).

Conditions:
Neuropathy, hereditary sensory and autonomic, type 1C. Also called: HSAN IC; HSN IC. Identifiers: Orphanet 36386, MedGen C3150896, MONDO:0013337, OMIM 613640.

Submission:

Labcorp Genetics (formerly Invitae), Labcorp
Classification: Uncertain significance for Neuropathy, hereditary sensory and autonomic, type 1C. Last evaluated: 2022-10-13. Review status: criteria provided, single submitter. Criteria: Invitae Variant Classification Sherloc (09022015). Collection method: clinical testing. Allele origin: germline.
Comment: This sequence change replaces methionine, which is neutral and non-polar, with leucine, which is neutral and non-polar, at codon 373 of the SPTLC2 protein (p.Met373Leu). This variant is not present in population databases (gnomAD no frequency). This variant has not been reported in the literature in individuals affected with SPTLC2-related conditions. Algorithms developed to predict the effect of missense changes on protein structure and function (SIFT, PolyPhen-2, Align-GVGD) all suggest that this variant is likely to be tolerated. In summary, the available evidence is currently insufficient to determine the role of this variant in disease. Therefore, it has been classified as a Variant of Uncertain Significance.

NM_004863.4(SPTLC2):c.1117A>T (p.Met373Leu)

Gene: SPTLC2 (serine palmitoyltransferase long chain base subunit 2; minus strand). Cytogenetic location: 14q24.3.
Variant type: single nucleotide variant.
Coding change: c.1117A>T on transcript NM_004863.4 (MANE Select); coding-DNA position 1117, A replaced by T.
Protein change: p.Met373Leu; replaces methionine 373 with leucine.
Molecular consequence: missense variant.
Genome position (GRCh38, 1-based): chr14:77,555,359, T>A on the plus strand (A>T on the coding strand, the complement: SPTLC2 is on the minus strand). VCF-style: chr14-77555359-T-A. GRCh37 (hg19) VCF-style: chr14-78021702-T-A.
Other names: short protein forms M373L.
Identifiers: ClinVar variation 1721510 (VCV001721510.5), dbSNP rs772944201, ClinGen allele CA390708538.